The following is an entry in ClinVar:

NM_001385012.1(NBEA):c.2853T>C (p.Tyr951=)

Gene: NBEA (neurobeachin; plus strand). Cytogenetic location: 13q13.3.
Variant type: single nucleotide variant.
Coding change: c.2853T>C on transcript NM_001385012.1 (MANE Select); coding-DNA position 2853, T replaced by C.
Protein change: p.Tyr951=; no amino-acid change (tyrosine 951 retained).
Molecular consequence: synonymous variant.
Genome position (GRCh38, 1-based): chr13:35,159,024, T>C. VCF-style: chr13-35159024-T-C. GRCh37 (hg19) VCF-style: chr13-35733161-T-C.
Other names: c.2853T>C, p.Tyr951= (NM_001379245.1, NM_015678.5).
Identifiers: ClinVar variation 3250551 (VCV003250551.18), dbSNP rs2069377362.

ClinVar aggregate classification (germline): Likely benign (1 of 4 stars; one submission).

Allele frequency attached by ClinVar (database versions not stated): gnomAD exomes below 0.00001; gnomAD 0.00001.
gnomAD v4.1: 6 of 1,592,522 alleles (0.00038%); highest among the groups gnomAD compares: South Asian, 0.0023%; no homozygotes.

Submission:

CeGaT Center for Human Genetics Tuebingen
Classification: Likely benign. Last evaluated: 2024-06-01. Review status: criteria provided, single submitter. Criteria: CeGaT Center For Human Genetics Tuebingen Variant Classification Criteria Version 2. Collection method: clinical testing. Allele origin: germline. Affected: yes. Observed: 1 variant allele.
Comment: NBEA: BP4, BP7